The following is an entry in ClinVar:

NM_000392.5(ABCC2):c.2252T>G (p.Leu751Trp)

Gene: ABCC2 (ATP binding cassette subfamily C member 2; plus strand). Cytogenetic location: 10q24.2.
Variant type: single nucleotide variant.
Coding change: c.2252T>G on transcript NM_000392.5 (MANE Select); coding-DNA position 2252, T replaced by G.
Protein change: p.Leu751Trp; replaces leucine 751 with tryptophan.
Molecular consequence: missense variant.
Genome position (GRCh38, 1-based): chr10:99,817,465, T>G. VCF-style: chr10-99817465-T-G. GRCh37 (hg19) VCF-style: chr10-101577222-T-G.
Other names: short protein forms L751W.
Identifiers: ClinVar variation 680397 (VCV000680397.1), dbSNP rs1590170184, ClinGen allele CA378116989.

ClinVar aggregate classification (germline): Likely benign (1 of 4 stars; one submission).

Submission:

GeneDx
Classification: Likely benign. Last evaluated: 2018-03-29. Review status: criteria provided, single submitter. Criteria: GeneDx Variant Classification (06012015). Collection method: clinical testing. Allele origin: germline. Affected: yes.
Comment: This variant is considered likely benign or benign based on one or more of the following criteria: it is a conservative change, it occurs at a poorly conserved position in the protein, it is predicted to be benign by multiple in silico algorithms, and/or has population frequency not consistent with disease.